The following is an entry in ClinVar:

ClinVar aggregate classification (germline): Uncertain significance (1 of 4 stars; one submission).

Conditions:
Catecholaminergic polymorphic ventricular tachycardia 1. Also called: VENTRICULAR TACHYCARDIA, STRESS-INDUCED POLYMORPHIC 1; VENTRICULAR TACHYCARDIA, CATECHOLAMINERGIC POLYMORPHIC, 1, WITH OR WITHOUT ATRIAL DYSFUNCTION AND/OR DILATED CARDIOMYOPATHY; RYR2-Related Catecholaminergic Polymorphic Ventricular Tachycardia. Identifiers: Orphanet 3286, MedGen C1631597, MONDO:0011484, OMIM 604772.

Allele frequency attached by ClinVar (database versions not stated): gnomAD 0.00001; gnomAD exomes 0.00001; TOPMed 0.00001.
gnomAD v4.1: 13 of 1,613,236 alleles (0.00081%); highest among the groups gnomAD compares: African/African-American, 0.0027%; no homozygotes.

Submission:

Labcorp Genetics (formerly Invitae), Labcorp
Classification: Uncertain significance for Catecholaminergic polymorphic ventricular tachycardia 1. Last evaluated: 2025-12-03. Review status: criteria provided, single submitter. Criteria: Invitae Variant Classification Sherloc (09022015). Collection method: clinical testing. Allele origin: germline.
Comment: This sequence change falls in intron 21 of the RYR2 gene. It does not directly change the encoded amino acid sequence of the RYR2 protein. This variant is present in population databases (no rsID available, gnomAD 0.007%). This variant has not been reported in the literature in individuals affected with RYR2-related conditions. ClinVar contains an entry for this variant (Variation ID: 2173102). Algorithms developed to predict the effect of sequence changes on RNA splicing suggest that this variant may disrupt the consensus splice site. In summary, the available evidence is currently insufficient to determine the role of this variant in disease. Therefore, it has been classified as a Variant of Uncertain Significance.

NM_001035.3(RYR2):c.2396+7A>G

Gene: RYR2 (ryanodine receptor 2; plus strand). Cytogenetic location: 1q43.
Variant type: single nucleotide variant.
Coding change: c.2396+7A>G on transcript NM_001035.3 (MANE Select); 7 bases into the intron after coding-DNA position 2396, A replaced by G.
Molecular consequence: intron variant.
Genome position (GRCh38, 1-based): chr1:237,500,910, A>G. VCF-style: chr1-237500910-A-G. GRCh37 (hg19) VCF-style: chr1-237664210-A-G.
Identifiers: ClinVar variation 2173102 (VCV002173102.4), dbSNP rs992293461, ClinGen allele CA39828722.